The following is an entry in ClinVar:

ClinVar aggregate classification (germline): Uncertain significance (1 of 4 stars; one submission).

Conditions:
Hypoplastic left heart syndrome. Also called: Hypoplastic left ventricle; Hypoplastic left heart. Identifiers: Orphanet 2248, MedGen C0152101, MONDO:0004933, HP:0004383.

Submission:

Labcorp Genetics (formerly Invitae), Labcorp
Classification: Uncertain significance for Hypoplastic left heart syndrome. Last evaluated: 2024-07-16. Review status: criteria provided, single submitter. Criteria: Invitae Variant Classification Sherloc (09022015). Collection method: clinical testing. Allele origin: germline.
Comment: This sequence change replaces leucine, which is neutral and non-polar, with isoleucine, which is neutral and non-polar, at codon 3 of the HAND1 protein (p.Leu3Ile). This variant is not present in population databases (gnomAD no frequency). This variant has not been reported in the literature in individuals affected with HAND1-related conditions. An algorithm developed to predict the effect of missense changes on protein structure and function (PolyPhen-2) suggests that this variant is likely to be disruptive. In summary, the available evidence is currently insufficient to determine the role of this variant in disease. Therefore, it has been classified as a Variant of Uncertain Significance.

NM_004821.3(HAND1):c.7C>A (p.Leu3Ile)

Gene: HAND1 (heart and neural crest derivatives expressed 1; minus strand). Cytogenetic location: 5q33.2.
Variant type: single nucleotide variant.
Coding change: c.7C>A on transcript NM_004821.3 (MANE Select); coding-DNA position 7, C replaced by A.
Protein change: p.Leu3Ile; replaces leucine 3 with isoleucine.
Molecular consequence: missense variant.
Genome position (GRCh38, 1-based): chr5:154,478,002, G>T on the plus strand (C>A on the coding strand, the complement: HAND1 is on the minus strand). VCF-style: chr5-154478002-G-T. GRCh37 (hg19) VCF-style: chr5-153857562-G-T.
Other names: short protein forms L3I.
Identifiers: ClinVar variation 3715085 (VCV003715085.2).
Genomic context (GRCh38, chr5:154,478,002, plus strand): 5'-GCATGGGGTGCGCAGGGTGCGGGTGGTGATGGTGGTGATGGTGTGCGTAGCTGCCCACGA[G>T]GTTCATGTTGGAGCGGCTACTGGCCTGCGCCGCCAGCCCTATTAACGCCGCTCCATGCGC-3'
Protein context (NP_004812.1, residues 1-13): MN[Leu3Ile]VGSYAHHHHH